The following is an entry in ClinVar:

NM_024537.4(CARS2):c.1666A>G (p.Arg556Gly)

Gene: CARS2 (cysteinyl-tRNA synthetase 2, mitochondrial; minus strand). Cytogenetic location: 13q34.
Variant type: single nucleotide variant.
Coding change: c.1666A>G on transcript NM_024537.4 (MANE Select); coding-DNA position 1666, A replaced by G.
Protein change: p.Arg556Gly; replaces arginine 556 with glycine.
Molecular consequence: missense variant. On other transcripts: non-coding transcript variant (2).
Genome position (GRCh38, 1-based): chr13:110,641,566, T>C on the plus strand (A>G on the coding strand, the complement: CARS2 is on the minus strand). VCF-style: chr13-110641566-T-C. GRCh37 (hg19) VCF-style: chr13-111293913-T-C.
Other names: c.880A>G, p.Arg294Gly (NM_001352252.2); short protein forms R556G, R294G.
Identifiers: ClinVar variation 862360 (VCV000862360.9), dbSNP rs1566629935, ClinGen allele CA388739089.
Genomic context (GRCh38, chr13:110,641,566, plus strand): 5'-TCGTGAGCAGGTTCATGGCTGTGCTCCATCCTCAGCCCGCTGATTTTTGGTCTTTTGTCC[T>C]TTGATCCAGCAGTTCCCACGTGGATGTTGTACTGCTTCTGTCCTGGAGAAGAAGAGTGAG-3'
Protein context (NP_078813.1, residues 546-564): TTSTWELLDQ[Arg556Gly]TKDQKSAG

ClinVar aggregate classification (germline): Uncertain significance (1 of 4 stars; one submission).

Conditions:
Combined oxidative phosphorylation defect type 27. Also called: Combined oxidative phosphorylation deficiency 27. Identifiers: Orphanet 477774, MedGen C5567608, MONDO:0014728, OMIM 616672.

Allele frequency attached by ClinVar (database versions not stated): gnomAD 0.00001.
gnomAD v4.1: 1 of 1,614,022 alleles (0.000062%); highest among the groups gnomAD compares: African/African-American, 0.0013%; no homozygotes.

Submission:

Labcorp Genetics (formerly Invitae), Labcorp
Classification: Uncertain significance for Combined oxidative phosphorylation defect type 27. Last evaluated: 2019-02-04. Review status: criteria provided, single submitter. Criteria: Invitae Variant Classification Sherloc (09022015). Collection method: clinical testing. Allele origin: germline.
Comment: In summary, the available evidence is currently insufficient to determine the role of this variant in disease. Therefore, it has been classified as a Variant of Uncertain Significance. Algorithms developed to predict the effect of missense changes on protein structure and function output the following: SIFT: "Tolerated"; PolyPhen-2: "Benign"; Align-GVGD: "Class C0". The glycine amino acid residue is found in multiple mammalian species, suggesting that this missense change does not adversely affect protein function. These predictions have not been confirmed by published functional studies and their clinical significance is uncertain. This variant has not been reported in the literature in individuals with CARS2-related conditions. This variant is not present in population databases (ExAC no frequency). This sequence change replaces arginine with glycine at codon 556 of the CARS2 protein (p.Arg556Gly). The arginine residue is moderately conserved and there is a moderate physicochemical difference between arginine and glycine.